The following is an entry in ClinVar:

ClinVar aggregate classification (germline): Pathogenic (1 of 4 stars; one submission).

Conditions:
Primary ciliary dyskinesia. Also called: Ciliary dyskinesia. Identifiers: Orphanet 244, MedGen C0008780, MONDO:0016575, HP:0012265.

Submission:

Labcorp Genetics (formerly Invitae), Labcorp
Classification: Pathogenic for Primary ciliary dyskinesia. Last evaluated: 2023-08-06. Review status: criteria provided, single submitter. Criteria: Invitae Variant Classification Sherloc (09022015). Collection method: clinical testing. Allele origin: germline.
Comment: For these reasons, this variant has been classified as Pathogenic. This variant has been observed in individual(s) with clinical features of primary ciliary dyskinesia (Invitae). In at least one individual the data is consistent with being in trans (on the opposite chromosome) from a pathogenic variant. This variant results in the deletion of exon 4 and part of exon 5 (c.278-225_442delinsTGTTTTCTTAAAACA) of the DNAH5 gene. It is expected to disrupt RNA splicing. Variants that disrupt the donor or acceptor splice site typically lead to a loss of protein function (PMID: 16199547), and loss-of-function variants in DNAH5 are known to be pathogenic (PMID: 11788826, 16627867).

Literature cited by the submitters: PubMed 16199547; PubMed 11788826; PubMed 16627867.

NC_000005.9:g.(?_13922434)_(13923774_?)del

Gene: DNAH5 (dynein axonemal heavy chain 5; minus strand). Cytogenetic location: 5p15.2.
Variant type: Deletion.
Identifiers: ClinVar variation 2424141 (VCV002424141.12).